The following continues an entry in ClinVar:

NM_000059.4(BRCA2):c.4584C>T (p.Ser1528=)

Gene: BRCA2. ClinVar aggregate classification (germline): Likely benign. Likely benign (1).

Submissions 18 to 31 of 31:

Women's Health and Genetics/Laboratory Corporation of America, LabCorp
Classification: Benign for Hereditary breast ovarian cancer syndrome. Last evaluated: 2015-12-14. Review status: criteria provided, single submitter. Criteria: LabCorp Variant Classification Summary - May 2015. Collection method: clinical testing. Allele origin: germline. Not counted in ClinVar's aggregate classification.
Comment: Variant summary: The c.4584C>T variant, a synonymous mutation, lies in the middle of exon 11. This variant involves a non-conserved nucleotide and 5/5 in silico splice-site prediction tools via Alamut predict that the variant does not affect normal splicing. This prediction is consistent with the report from Caux-Moncoutier et al (Caux-Moncoutier et al 2009) in which the authors 'indirectly' show that the variant of interest does not result in allelic imbalance due to nonsense mediated decay of aberrant splice products. The variant was found in the general population at a frequency of 0.02% which does not exceed the maximal expected allele frequency of a pathogenic BRCA2 variant (which is 0.075%). However, the frequency of this variant in the Latino population is just above that of the maximal expected allele frequency (0.78%), which suggests this variant to be a polymorphism found mainly in populations of Latin descent. Indeed, several of the reported HBOC patients/families with the variant were from Spain, and co-occurrence and co-segregation were not reported for these patients, suggesting the true disease-causing mutation was not detected/presented. Furthermore, UMD reports co-occurrence with a possibly deleterious truncating BRCA2 variants c.6079dup (p.Arg2027LysfsX22) and c.4926_4935del (p.Asn1642LysfsX25) and with BRCA1 variant c.3331_3334delCAAG (p.Gln1111AsnfsX5) implicating that the variant of interest is in the benign spectrum. Additionally, publications (Osorio_BRCA2_Clin Genet_1998; Diez_BRCA2_HM_2003) and several clinical diagnostic laboratoris classify variant as Polymorphism/Bening/Likely Bening (without evidence to independently evaluate). Considering all evidence, the variant is classified as benign.

Clinical Genetics DNA and cytogenetics Diagnostics Lab, Erasmus MC, Erasmus Medical Center
Classification: Likely benign for Breast-ovarian cancer, familial, susceptibility to, 2. Last evaluated: 2015-09-21. Review status: criteria provided, single submitter. Criteria: ACGS Guidelines, 2013. Collection method: clinical testing. Allele origin: germline. Affected: yes. Study: VKGL Data-share Consensus. Not counted in ClinVar's aggregate classification.

Eurofins Ntd Llc (ga)
Classification: Uncertain significance. Last evaluated: 2015-05-01. Review status: criteria provided, single submitter. Criteria: EGL Classification Definitions 2015. Collection method: clinical testing. Allele origin: germline. Observed: 2 variant alleles, 2 heterozygotes. Not counted in ClinVar's aggregate classification.

Color Diagnostics, LLC DBA Color Health
Classification: Likely benign for Hereditary cancer-predisposing syndrome. Last evaluated: 2015-04-21. Review status: criteria provided, single submitter. Criteria: ACMG Guidelines, 2015. Collection method: clinical testing. Allele origin: germline. Not counted in ClinVar's aggregate classification.

Ambry Genetics
Classification: Likely benign for Hereditary cancer-predisposing syndrome. Last evaluated: 2014-08-14. Review status: criteria provided, single submitter. Criteria: Ambry Variant Classification Scheme 2023. Collection method: clinical testing. Allele origin: germline. Not counted in ClinVar's aggregate classification.

GeneDx
Classification: Benign. Last evaluated: 2013-12-20. Review status: criteria provided, single submitter. Criteria: GeneDx Variant Classification (06012015). Collection method: clinical testing. Allele origin: germline. Affected: yes. Not counted in ClinVar's aggregate classification.
Comment: This variant is considered likely benign or benign based on one or more of the following criteria: it is a conservative change, it occurs at a poorly conserved position in the protein, it is predicted to be benign by multiple in silico algorithms, and/or has population frequency not consistent with disease.

Breakthrough Genomics
Classification: Likely benign. Review status: criteria provided, single submitter. Criteria: ACMG Guidelines, 2015. Collection method: not provided. Allele origin: germline. Inheritance: Autosomal recessive inheritance. Affected: yes. Not counted in ClinVar's aggregate classification.

True Health Diagnostics
Classification: Likely benign for Hereditary cancer-predisposing syndrome. Last evaluated: 2018-06-18. Review status: no assertion criteria provided. Collection method: clinical testing. Allele origin: germline. Not counted in ClinVar's aggregate classification.

Genome Diagnostics Laboratory, Amsterdam University Medical Center
Classification: Likely benign for Breast-ovarian cancer, familial, susceptibility to, 2. Last evaluated: 2017-05-21. Review status: no assertion criteria provided. Criteria: ACGS Guidelines, 2013. Collection method: clinical testing. Allele origin: germline. Affected: yes. Study: VKGL Data-share Consensus. Not counted in ClinVar's aggregate classification.

Counsyl
Classification: Benign for Breast-ovarian cancer, familial 2. Last evaluated: 2014-05-27. Review status: no assertion criteria provided. Collection method: literature only. Allele origin: unknown. Inheritance: Autosomal dominant inheritance. Not counted in ClinVar's aggregate classification.

Breast Cancer Information Core (BIC) (BRCA2)
Classification: Uncertain significance for Breast-ovarian cancer, familial 2. Last evaluated: 2000-06-12. Review status: no assertion criteria provided. Collection method: clinical testing. Allele origin: germline. Affected: yes. Observed: 2 variant alleles. Not counted in ClinVar's aggregate classification.

Department of Pathology and Laboratory Medicine, Sinai Health System
Classification: Benign for Malignant tumor of breast. Review status: no assertion criteria provided. Collection method: clinical testing. Allele origin: unknown. Affected: yes. Study: The Canadian Open Genetics Repository (COGR). Not counted in ClinVar's aggregate classification.
Comment: The BRCA2 p.Ser1528Ser variant was identified in 25 of 1248 proband chromosomes (frequency: 0.04) from Spanish families with breast and ovarian cancer, and was not identified in 200 control chromosomes from healthy individuals (Diez 2003).The variant was also identified in dbSNP (ID: rs80359788) â€šÃ„ÃºWith Uncertain significance alleleâ€šÃ„Ã¹, with a minor allele frequency of 0.001 (1000 Genomes Project), NHLBI Exome Sequencing Project (Exome Variant Server), LOVD, the ClinVar database (with one â€šÃ„Ãºuncertain significanceâ€šÃ„Ã¹ classification from BIC, benign submission from Invitae and benign submission from GeneDX), the BIC database (2X with unknown clinical importance), and UMD (21X as a neutral variant). In addition, Myriad classifies this as a polymorphism (personal communication). In UMD the variant was identified with a co-occurring pathogenic BRCA1 and BRCA2 variants (c.3331_3334delCAAG (p.Gln1111AsnfsX5) of BRCA1gene and c.4926_4935del (p.Asn1642LysfsX25) of BRCA2 gene), increasing the likelihood that the p.Ser1528Ser variant does not have clinical significance. This variant was identified in the 1000 Genomes Project in 2 of 2000 chromosomes (frequency: 0.001), Exome Variant Server project in 3 of 4406 African American alleles, increasing the likelihood that this is/may be a low frequency benign variant in certain populations of origin. The p.Ser1528Ser variant is not expected to have clinical significance because it does not result in a change of amino acid and is not located in a known consensus splice site.The p.Ser1528Ser variant occurs outside of the splicing consensus sequence and 1 of 5 in silico or computational prediction software programs(SpliceSiteFinder, MaxEntScan, NNSPLICE, GeneSplicer, HumanSpliceFinder) predict a greater than 10% difference in splicing; this is not very predictive of pathogenicity. In summary, based on the above information, this variant meets our laboratory's criteria to be classified as benign.

Dr. Peter K. Rogan Lab, Western University
No classification provided (evidence only). Condition: Uterine corpus endometrial carcinoma. Review status: no classification provided. Collection method: in vitro. Allele origin: not applicable. Functional consequence: retained intron. Not counted in ClinVar's aggregate classification.

Joint Genome Diagnostic Labs from Nijmegen and Maastricht, Radboudumc and MUMC+
Classification: Likely benign. Review status: no assertion criteria provided. Collection method: clinical testing. Allele origin: germline. Affected: yes. Study: VKGL Data-share Consensus. Not counted in ClinVar's aggregate classification.

Literature cited by the submitters: PubMed 21789034 (cited by Illumina Laboratory Services, Illumina); PubMed 19471317 (cited by Women's Health and Genetics/Laboratory Corporation of America, LabCorp); PubMed 12955716 (cited by Women's Health and Genetics/Laboratory Corporation of America, LabCorp and Counsyl); PubMed 9761393 (cited by 3 submitters); PubMed 23942203 (cited by Women's Health and Genetics/Laboratory Corporation of America, LabCorp); PubMed 16550498 (cited by Women's Health and Genetics/Laboratory Corporation of America, LabCorp); PubMed 18403564 (cited by Women's Health and Genetics/Laboratory Corporation of America, LabCorp); PubMed 10755399 (cited by Women's Health and Genetics/Laboratory Corporation of America, LabCorp).